The following is an entry in ClinVar:

NC_000008.10:g.(?_24810323)_(24811839_?)del

Gene: NEFL (neurofilament light chain; minus strand). Cytogenetic location: 8p21.2.
Variant type: Deletion.
Identifiers: ClinVar variation 2425517 (VCV002425517.2).

ClinVar aggregate classification (germline): Uncertain significance (1 of 4 stars; one submission).

Conditions:
Charcot-Marie-Tooth disease type 2E (CMT2E). Also called: CHARCOT-MARIE-TOOTH DISEASE, AXONAL, TYPE 2E; CHARCOT-MARIE-TOOTH NEUROPATHY, TYPE 2E. Identifiers: Orphanet 99939, MedGen C1843225, MONDO:0011894, OMIM 607684.

Submission:

Labcorp Genetics (formerly Invitae), Labcorp
Classification: Uncertain significance for Charcot-Marie-Tooth disease type 2E. Last evaluated: 2022-07-29. Review status: criteria provided, single submitter. Criteria: Invitae Variant Classification Sherloc (09022015). Collection method: clinical testing. Allele origin: germline.
Comment: This variant is a gross deletion of the genomic region encompassing exon(s) 2-4 of the NEFL gene, which includes the termination codon. This deletion extends beyond the assayed region for this gene and therefore may encompass additional genes. While this deletion is not anticipated to lead to nonsense mediated decay, it is expected to alter mRNA translation or result in a truncated protein product. A similar copy number variant has been observed in individual(s) with clinical features of Charcot-Marie-Tooth disease (Invitae). In summary, the available evidence is currently insufficient to determine the role of this variant in disease. Therefore, it has been classified as a Variant of Uncertain Significance.